The following is an entry in ClinVar:

NM_001253852.3(AP4B1):c.358T>A (p.Tyr120Asn)

Gene: AP4B1 (adaptor related protein complex 4 subunit beta 1; minus strand). Cytogenetic location: 1p13.2.
Variant type: single nucleotide variant.
Coding change: c.358T>A on transcript NM_001253852.3 (MANE Select); coding-DNA position 358, T replaced by A.
Protein change: p.Tyr120Asn; replaces tyrosine 120 with asparagine.
Molecular consequence: missense variant. On other transcripts: intron variant (1).
Genome position (GRCh38, 1-based): chr1:113,901,866, A>T on the plus strand (T>A on the coding strand, the complement: AP4B1 is on the minus strand). VCF-style: chr1-113901866-A-T. GRCh37 (hg19) VCF-style: chr1-114444488-A-T.
Other names: c.61T>A, p.Tyr21Asn (NM_001253853.3); c.358T>A, p.Tyr120Asn (NM_006594.5); c.114-1466T>A (NM_001308312.2); c.358T>A (NM_006594.2); short protein forms Y120N, Y21N.
Identifiers: ClinVar variation 568438 (VCV000568438.11), dbSNP rs138880168, ClinGen allele CA1016112.

ClinVar aggregate classification (germline): Uncertain significance. Review status: criteria provided, multiple submitters, no conflicts (2 of 4 stars). 5 submissions from 5 submitters: Uncertain significance (5). Last evaluated 2025-03-04.

Conditions:
Hereditary spastic paraplegia 47. Also called: adaptor protein 4 (AP-4) deficiency syndrome; Spastic paraplegia 47, autosomal recessive; CEREBRAL PALSY, SPASTIC QUADRIPLEGIC, 5. Identifiers: Orphanet 280763, MedGen C3279738, MONDO:0013551, OMIM 614066.
Inborn genetic diseases. Identifiers: MedGen C0950123, MeSH D030342.

Allele frequency attached by ClinVar (database versions not stated): TOPMed 0.00004; gnomAD 0.00005 and 0.00006; gnomAD exomes 0.00007; ExAC 0.00008; ESP Exome Variant Server 0.00015; 1000 Genomes Project 30x 0.00016; 1000 Genomes Project 0.00020.
gnomAD v4.1: 204 of 1,614,036 alleles (0.013%); highest among the groups gnomAD compares: Non-Finnish European, 0.017%; no homozygotes.

Submissions (5):

Victorian Clinical Genetics Services, Murdoch Childrens Research Institute
Classification: Uncertain significance for Hereditary spastic paraplegia 47. Last evaluated: 2025-03-04. Review status: criteria provided, single submitter. Criteria: ACMG Guidelines, 2015. Collection method: clinical testing. Allele origin: germline. Affected: yes.
Comment: This variant is classified as VUS-3A. Evidence in support of pathogenic classification: Variant is present in gnomAD <0.01 for a recessive condition (v4: 204 heterozygote(s), 0 homozygote(s)); Missense variant predicted to be damaging by in silico tool(s) or highly conserved with a major amino acid change. Additional information: Variant is predicted to result in a missense amino acid change from tyrosine to asparagine; This variant is heterozygous; This gene is associated with autosomal recessive disease; Alternative amino acid change(s) at the same position are present in gnomAD (Highest allele count: v4: 2 heterozygote(s), 0 homozygote(s)); Previous evidence of pathogenicity for this variant is inconclusive. This variant has been classified as a VUS by clinical laboratories in ClinVar; No published segregation evidence has been identified for this variant; No published functional evidence has been identified for this variant; No comparable missense variants have previous evidence for pathogenicity; Variant is located in the annotated adaptin N terminal region (DECIPHER); Loss of function is a known mechanism of disease in this gene and is associated with spastic paraplegia 47 (MIM#614066); Parental origin of the variant is unresolved.

Blueprint Genetics
Classification: Uncertain significance. Last evaluated: 2024-08-14. Review status: criteria provided, single submitter. Criteria: ACMG Guidelines, 2015. Collection method: clinical testing. Allele origin: germline.

Labcorp Genetics (formerly Invitae), Labcorp
Classification: Uncertain significance for Hereditary spastic paraplegia 47. Last evaluated: 2024-08-05. Review status: criteria provided, single submitter. Criteria: Invitae Variant Classification Sherloc (09022015). Collection method: clinical testing. Allele origin: germline.
Comment: This sequence change replaces tyrosine, which is neutral and polar, with asparagine, which is neutral and polar, at codon 120 of the AP4B1 protein (p.Tyr120Asn). This variant is present in population databases (rs138880168, gnomAD 0.01%). This variant has not been reported in the literature in individuals affected with AP4B1-related conditions. ClinVar contains an entry for this variant (Variation ID: 568438). Advanced modeling of protein sequence and biophysical properties (such as structural, functional, and spatial information, amino acid conservation, physicochemical variation, residue mobility, and thermodynamic stability) performed at Invitae indicates that this missense variant is expected to disrupt AP4B1 protein function with a positive predictive value of 80%. In summary, the available evidence is currently insufficient to determine the role of this variant in disease. Therefore, it has been classified as a Variant of Uncertain Significance.

Genome-Nilou Lab
Classification: Uncertain significance for Hereditary spastic paraplegia 47. Last evaluated: 2023-04-11. Review status: criteria provided, single submitter. Criteria: ACMG Guidelines, 2015. Collection method: clinical testing. Allele origin: germline. Affected: no.

Ambry Genetics
Classification: Uncertain significance for Inborn genetic diseases. Last evaluated: 2021-04-28. Review status: criteria provided, single submitter. Criteria: Ambry Variant Classification Scheme 2023. Collection method: clinical testing. Allele origin: germline.
Comment: The c.358T>A (p.Y120N) alteration is located in exon 4 (coding exon 3) of the AP4B1 gene. This alteration results from a T to A substitution at nucleotide position 358, causing the tyrosine (Y) at amino acid position 120 to be replaced by an asparagine (N). The in silico prediction for the p.Y120N alteration is inconclusive. Based on insufficient or conflicting evidence, the clinical significance of this alteration remains unclear.